The following is an entry in ClinVar:

ClinVar aggregate classification (germline): Uncertain significance. Review status: criteria provided, multiple submitters, no conflicts (2 of 4 stars). 2 submissions from 2 submitters: Uncertain significance (2). Last evaluated 2025-11-22.

Allele frequency attached by ClinVar (database versions not stated): TOPMed below 0.00001; gnomAD 0.00001; ExAC 0.00003.
gnomAD v4.1: 21 of 1,614,066 alleles (0.0013%); highest among the groups gnomAD compares: Admixed American, 0.005%; no homozygotes.

Submissions (2):

Labcorp Genetics (formerly Invitae), Labcorp
Classification: Uncertain significance. Last evaluated: 2025-11-22. Review status: criteria provided, single submitter. Criteria: Invitae Variant Classification Sherloc (09022015). Collection method: clinical testing. Allele origin: germline.
Comment: This sequence change replaces asparagine, which is neutral and polar, with serine, which is neutral and polar, at codon 262 of the PDZD7 protein (p.Asn262Ser). This variant is present in population databases (rs774077448, gnomAD 0.006%). This variant has not been reported in the literature in individuals affected with PDZD7-related conditions. ClinVar contains an entry for this variant (Variation ID: 2572954). Invitae Evidence Modeling of protein sequence and biophysical properties (such as structural, functional, and spatial information, amino acid conservation, physicochemical variation, residue mobility, and thermodynamic stability) has been performed for this missense variant. However, the output from this modeling did not meet the statistical confidence thresholds required to predict the impact of this variant on PDZD7 protein function. In summary, the available evidence is currently insufficient to determine the role of this variant in disease. Therefore, it has been classified as a Variant of Uncertain Significance.

GeneDx
Classification: Uncertain significance. Last evaluated: 2025-02-24. Review status: criteria provided, single submitter. Criteria: GeneDx Variant Classification Process June 2021. Collection method: clinical testing. Allele origin: germline. Affected: yes.
Comment: In silico analysis supports that this missense variant has a deleterious effect on protein structure/function; Has not been previously published as pathogenic or benign to our knowledge

NM_001195263.2(PDZD7):c.785A>G (p.Asn262Ser)

Gene: PDZD7 (PDZ domain containing 7; minus strand). Cytogenetic location: 10q24.31.
Variant type: single nucleotide variant.
Coding change: c.785A>G on transcript NM_001195263.2 (MANE Select); coding-DNA position 785, A replaced by G.
Protein change: p.Asn262Ser; replaces asparagine 262 with serine.
Molecular consequence: missense variant.
Genome position (GRCh38, 1-based): chr10:101,021,880, T>C on the plus strand (A>G on the coding strand, the complement: PDZD7 is on the minus strand). VCF-style: chr10-101021880-T-C. GRCh37 (hg19) VCF-style: chr10-102781637-T-C.
Other names: c.785A>G, p.Asn262Ser (NM_001351044.2, NM_024895.5); short protein forms N262S.
Identifiers: ClinVar variation 2572954 (VCV002572954.3), dbSNP rs774077448, ClinGen allele CA5654253.